The following is an entry in ClinVar:

ClinVar aggregate classification (germline): Uncertain significance (1 of 4 stars; one submission).

gnomAD v4.1: 1 of 1,605,856 alleles (0.000062%); highest among the groups gnomAD compares: Non-Finnish European, 0.000085%; no homozygotes.

Submission:

Ambry Genetics
Classification: Uncertain significance. Last evaluated: 2024-08-19. Review status: criteria provided, single submitter. Criteria: Ambry Variant Classification Scheme 2023. Collection method: clinical testing. Allele origin: germline.
Comment: The p.P828S variant (also known as c.2482C>T), located in coding exon 21 of the BUB1 gene, results from a C to T substitution at nucleotide position 2482. The proline at codon 828 is replaced by serine, an amino acid with similar properties. This amino acid position is conserved. In addition, this alteration is predicted to be tolerated by in silico analysis. Based on the available evidence, the clinical significance of this variant remains unclear.

NM_004336.5(BUB1):c.2482C>T (p.Pro828Ser)

Gene: BUB1 (BUB1 mitotic checkpoint serine/threonine kinase; minus strand). Cytogenetic location: 2q13.
Variant type: single nucleotide variant.
Coding change: c.2482C>T on transcript NM_004336.5 (MANE Select); coding-DNA position 2482, C replaced by T.
Protein change: p.Pro828Ser; replaces proline 828 with serine.
Molecular consequence: missense variant.
Genome position (GRCh38, 1-based): chr2:110,641,785, G>A on the plus strand (C>T on the coding strand, the complement: BUB1 is on the minus strand). VCF-style: chr2-110641785-G-A. GRCh37 (hg19) VCF-style: chr2-111399362-G-A.
Other names: c.2422C>T, p.Pro808Ser (NM_001278616.2); c.2482C>T, p.Pro828Ser (NM_001278617.2); short protein forms P808S, P828S.
Identifiers: ClinVar variation 3483048 (VCV003483048.1).